The following is an entry in ClinVar:

NM_001358235.2(DCHS2):c.2477-1G>T

Gene: DCHS2 (dachsous cadherin-related 2; minus strand). Cytogenetic location: 4q31.3.
Variant type: single nucleotide variant.
Coding change: c.2477-1G>T on transcript NM_001358235.2 (MANE Select); the canonical splice acceptor site of the intron before coding-DNA position 2477, G replaced by T.
Molecular consequence: splice acceptor variant.
Genome position (GRCh38, 1-based): chr4:154,335,105, C>A on the plus strand (G>T on the coding strand, the complement: DCHS2 is on the minus strand). VCF-style: chr4-154335105-C-A. GRCh37 (hg19) VCF-style: chr4-155256257-C-A.
Other names: c.2477-1G>T (NM_001142552.2).
Identifiers: ClinVar variation 2635199 (VCV002635199.1), dbSNP rs2530209626, ClinGen allele CA358526708.
Genomic context (GRCh38, chr4:154,335,105, plus strand): 5'-CCATCAACGAAAGTGTGGTAGATTCCAAATGACTAAGAGGTAATGTTAAGTAAATAATTC[C>A]TGGGTAGGGAAAAGAAAACATTGGTAAACAGATAACATGTAATAAATACTGATGAGCAAT-3'

ClinVar aggregate classification (germline): Uncertain significance (1 of 4 stars; one submission).

Conditions:
DCHS2-related disorder. Also called: DCHS2-related condition.

Submission:

PreventionGenetics, part of Exact Sciences
Classification: Uncertain significance for DCHS2-related condition. Last evaluated: 2022-11-23. Review status: criteria provided, single submitter. Criteria: ACMG Guidelines, 2015. Collection method: clinical testing. Allele origin: germline.
Comment: The DCHS2 c.2477-1G>T variant is predicted to disrupt the AG splice acceptor site and interfere with normal splicing. To our knowledge, this variant has not been reported in the literature or in a large population database, indicating this variant is rare. At this time, the clinical significance of this variant is uncertain due to the absence of conclusive functional and genetic evidence.